The following is an entry in ClinVar:

NM_001113378.2(FANCI):c.147C>T (p.Ala49=)

Gene: FANCI (FA complementation group I; plus strand). Cytogenetic location: 15q26.1.
Variant type: single nucleotide variant.
Coding change: c.147C>T on transcript NM_001113378.2 (MANE Select); coding-DNA position 147, C replaced by T.
Protein change: p.Ala49=; no amino-acid change (alanine 49 retained).
Molecular consequence: synonymous variant. On other transcripts: 5 prime UTR variant (1).
Genome position (GRCh38, 1-based): chr15:89,258,766, C>T. VCF-style: chr15-89258766-C-T. GRCh37 (hg19) VCF-style: chr15-89801997-C-T.
Other names: c.-133C>T (NM_001376910.1); c.147C>T, p.Ala49= (NM_001376911.1, NM_018193.3).
Identifiers: ClinVar variation 4823014 (VCV004823014.4).
Genomic context (GRCh38, chr15:89,258,766, plus strand): 5'-GACTAATCTCCTTCAGAATCAAGCAGTGAAAGGAAAAGTTGCTGGAGCACTCCTGAGAGC[C>T]ATCTTCAAAGGTAATAATAATTAATGTCACTTCTGTCTGTCTCCTGCATTCATTGGTAGA-3'
Protein context (NP_001106849.1, residues 39-59): KGKVAGALLR[Ala49=]IFKGSPCSEE

ClinVar aggregate classification (germline): Likely benign (1 of 4 stars; one submission).

Submission:

CeGaT Center for Human Genetics Tuebingen
Classification: Likely benign. Last evaluated: 2026-01-01. Review status: criteria provided, single submitter. Criteria: CeGaT Center For Human Genetics Tuebingen Variant Classification Criteria Version 2. Collection method: clinical testing. Allele origin: germline. Affected: yes. Observed: 1 variant allele.
Comment: FANCI: PM2:Supporting, BP4, BP7